The following is an entry in ClinVar:

NM_001083962.2(TCF4):c.1583C>A (p.Ser528Tyr)

Gene: TCF4 (transcription factor 4; minus strand). Cytogenetic location: 18q21.2.
Variant type: single nucleotide variant.
Coding change: c.1583C>A on transcript NM_001083962.2 (MANE Select); coding-DNA position 1583, C replaced by A.
Protein change: p.Ser528Tyr; replaces serine 528 with tyrosine.
Molecular consequence: missense variant.
Genome position (GRCh38, 1-based): chr18:55,232,575, G>T on the plus strand (C>A on the coding strand, the complement: TCF4 is on the minus strand). VCF-style: chr18-55232575-G-T. GRCh37 (hg19) VCF-style: chr18-52899806-G-T.
Other names: c.1889C>A, p.Ser630Tyr (NM_001243226.3); c.1511C>A, p.Ser504Tyr (NM_001243227.2, NM_001306207.1, NM_001369575.1 and 5 more transcripts); c.1601C>A, p.Ser534Tyr (NM_001243228.2); c.1574C>A, p.Ser525Tyr (NM_001243230.2); c.1457C>A, p.Ser486Tyr (NM_001243231.2, NM_001348211.2); c.1370C>A, p.Ser457Tyr (NM_001243232.1, NM_001306208.1); c.1193C>A, p.Ser398Tyr (NM_001243233.2, NM_001330605.3, NM_001348212.2 and 1 more transcripts); c.1103C>A, p.Ser368Tyr (NM_001243234.2, NM_001243235.2, NM_001243236.2 and 1 more transcripts); and 6 more; short protein forms S398Y, S486Y, S503Y, S505Y, S527Y, S528Y, S630Y, S504Y.
Identifiers: ClinVar variation 2833743 (VCV002833743.3), dbSNP rs1163623824, ClinGen allele CA402529969.
Genomic context (GRCh38, chr18:55,232,575, plus strand): 5'-CTTGACCTAGTAATTGATTTGATATCCTTCTTGTCGTCATCTAATTTCTTGTCCTCCGAA[G>T]ATTTCGTGTCTTGCAGGTTCTCATCACCCTCGTCATCGGATTTGATCTCAGAGCTGCCAG-3'
Protein context (NP_001077431.1, residues 518-538): EGDENLQDTK[Ser528Tyr]SEDKKLDDDK

ClinVar aggregate classification (germline): Uncertain significance (1 of 4 stars; one submission).

Conditions:
Pitt-Hopkins syndrome (PTHS). Also called: ENCEPHALOPATHY, SEVERE EPILEPTIC, WITH AUTONOMIC DYSFUNCTION; MENTAL RETARDATION, SYNDROMAL, WITH INTERMITTENT HYPERVENTILATION. Identifiers: Orphanet 2896, MedGen C1970431, MONDO:0012589, OMIM 610954.

Submission:

Labcorp Genetics (formerly Invitae), Labcorp
Classification: Uncertain significance for Pitt-Hopkins syndrome. Last evaluated: 2023-10-20. Review status: criteria provided, single submitter. Criteria: Invitae Variant Classification Sherloc (09022015). Collection method: clinical testing. Allele origin: germline.
Comment: This sequence change replaces serine, which is neutral and polar, with tyrosine, which is neutral and polar, at codon 528 of the TCF4 protein (p.Ser528Tyr). This variant is not present in population databases (gnomAD no frequency). This variant has not been reported in the literature in individuals affected with TCF4-related conditions. Advanced modeling of protein sequence and biophysical properties (such as structural, functional, and spatial information, amino acid conservation, physicochemical variation, residue mobility, and thermodynamic stability) performed at Invitae indicates that this missense variant is not expected to disrupt TCF4 protein function. In summary, the available evidence is currently insufficient to determine the role of this variant in disease. Therefore, it has been classified as a Variant of Uncertain Significance.